The following is an entry in ClinVar:

NM_015338.6(ASXL1):c.2748A>C (p.Arg916Ser)

Gene: ASXL1 (ASXL transcriptional regulator 1; plus strand). Cytogenetic location: 20q11.21.
Variant type: single nucleotide variant.
Coding change: c.2748A>C on transcript NM_015338.6 (MANE Select); coding-DNA position 2748, A replaced by C.
Protein change: p.Arg916Ser; replaces arginine 916 with serine.
Molecular consequence: missense variant.
Genome position (GRCh38, 1-based): chr20:32,435,460, A>C. VCF-style: chr20-32435460-A-C. GRCh37 (hg19) VCF-style: chr20-31023263-A-C.
Other names: c.2565A>C, p.Arg855Ser (NM_001363734.1); short protein forms R916S, R855S.
Identifiers: ClinVar variation 4158418 (VCV004158418.1).
Genomic context (GRCh38, chr20:32,435,460, plus strand): 5'-GCATTGGATACCCATCCCATCGAATGATGAGGTAGTGAAACAGCCCAAACCAGAATCCAG[A>C]GAACACATACCATCTGTTGAGCCCCAGGTTGGAGAGGAGTGGGAGAAAGCTGCTCCCACC-3'
Protein context (NP_056153.2, residues 906-926): EVVKQPKPES[Arg916Ser]EHIPSVEPQV

ClinVar aggregate classification (germline): Uncertain significance (1 of 4 stars; one submission).

Conditions:
Inborn genetic diseases. Identifiers: MedGen C0950123, MeSH D030342.

gnomAD v4.1: 1 of 1,614,072 alleles (0.000062%); highest among the groups gnomAD compares: Non-Finnish European, 0.000085%; no homozygotes.

Submission:

Ambry Genetics
Classification: Uncertain significance for Inborn genetic diseases. Last evaluated: 2025-07-28. Review status: criteria provided, single submitter. Criteria: Ambry Variant Classification Scheme 2023. Collection method: clinical testing. Allele origin: germline.
Comment: The p.R916S variant (also known as c.2748A>C), located in coding exon 13 of the ASXL1 gene, results from an A to C substitution at nucleotide position 2748. The arginine at codon 916 is replaced by serine, an amino acid with dissimilar properties. This amino acid position is conserved. In addition, this alteration is predicted to be tolerated by in silico analysis. Based on the available evidence, the clinical significance of this variant remains unclear.